The following is an entry in ClinVar:

ClinVar aggregate classification (germline): Pathogenic/Likely pathogenic. Review status: criteria provided, multiple submitters, no conflicts (2 of 4 stars). 5 submissions from 5 submitters: Pathogenic (4); Likely pathogenic (1). Last evaluated 2025-07-29.

Conditions:
3M syndrome 1. Also called: 3-M Syndrome, CUL7-Related. Identifiers: Orphanet 2616, MedGen C2678312, MONDO:0010117, OMIM 273750.

Allele frequency attached by ClinVar (database versions not stated): ExAC 0.00001; gnomAD 0.00001.
gnomAD v4.1: 11 of 1,614,098 alleles (0.00068%); highest among the groups gnomAD compares: Admixed American, 0.0017%; no homozygotes.

Submissions (5):

Labcorp Genetics (formerly Invitae), Labcorp
Classification: Pathogenic. Last evaluated: 2025-07-29. Review status: criteria provided, single submitter. Criteria: Invitae Variant Classification Sherloc (09022015). Collection method: clinical testing. Allele origin: germline.
Comment: This sequence change creates a premature translational stop signal (p.Arg550*) in the CUL7 gene. It is expected to result in an absent or disrupted protein product. Loss-of-function variants in CUL7 are known to be pathogenic (PMID: 16142236, 17675530, 19225462). This variant is present in population databases (rs746333044, gnomAD 0.003%). This variant has not been reported in the literature in individuals affected with CUL7-related conditions. ClinVar contains an entry for this variant (Variation ID: 497425). For these reasons, this variant has been classified as Pathogenic.

Fulgent Genetics
Classification: Likely pathogenic for 3M syndrome 1. Last evaluated: 2024-03-04. Review status: criteria provided, single submitter. Criteria: ACMG Guidelines, 2015. Collection method: clinical testing. Allele origin: germline.

Rady Children's Institute for Genomic Medicine, Rady Children's Hospital San Diego
Classification: Pathogenic for THREE M SYNDROME 1. Last evaluated: 2019-11-22. Review status: criteria provided, single submitter. Criteria: ACMG Guidelines, 2015. Collection method: clinical testing. Allele origin: germline. Affected: yes.
Comment: This nonsense variant found in exon 7 of 26 is predicted to result in loss of normal protein function. This variant has not been previously reported or functionally characterized in the literature to our knowledge. ClinVar contains an entry for the variant (Variation ID: 497425). It is present in the heterozygous state in the gnomAD population database at a frequency of 0.001% (1/251482) and thus is presumed to be rare. Based on the available evidence, the c.1900C>T (p.Arg634Ter) variant is classified as Pathogenic.

Eurofins Ntd Llc (ga)
Classification: Pathogenic. Last evaluated: 2016-10-07. Review status: criteria provided, single submitter. Criteria: EGL Classification Definitions 2015. Collection method: clinical testing. Allele origin: germline. Observed: 2 variant alleles, 1 heterozygote, 1 homozygote.

Juno Genomics, Hangzhou Juno Genomics, Inc
Classification: Pathogenic for 3M syndrome 1. Review status: criteria provided, single submitter. Criteria: ACMG Guidelines, 2015. Collection method: clinical testing. Allele origin: germline.
Comment: Absent from controls (or at extremely low frequency if recessive) in Genome Aggregation Database.;Null variant in a gene where loss of function (LOF) is a known mechanism of disease.;For recessive disorders, detected in trans with a pathogenic variant.

Literature cited by the submitters: PubMed 16142236 (cited by Labcorp Genetics (formerly Invitae), Labcorp); PubMed 17675530 (cited by Labcorp Genetics (formerly Invitae), Labcorp); PubMed 19225462 (cited by Labcorp Genetics (formerly Invitae), Labcorp).

NM_014780.5(CUL7):c.1648C>T (p.Arg550Ter)

Gene: CUL7 (cullin 7; minus strand). Cytogenetic location: 6p21.1.
Variant type: single nucleotide variant.
Coding change: c.1648C>T on transcript NM_014780.5 (MANE Select); coding-DNA position 1648, C replaced by T.
Protein change: p.Arg550Ter; replaces arginine 550 with a stop codon.
Molecular consequence: nonsense.
Genome position (GRCh38, 1-based): chr6:43,049,584, G>A on the plus strand (C>T on the coding strand, the complement: CUL7 is on the minus strand). VCF-style: chr6-43049584-G-A. GRCh37 (hg19) VCF-style: chr6-43017322-G-A.
Other names: c.1744C>T, p.Arg582Ter (NM_001168370.2, NM_001374872.1); c.1648C>T, p.Arg550Ter (NM_001374873.1, NM_001374874.1); short protein forms R550*, R634*, R582*.
Identifiers: ClinVar variation 497425 (VCV000497425.12), dbSNP rs746333044, ClinGen allele CA3814097.